The following is an entry in ClinVar:

NM_002485.5(NBN):c.1312A>G (p.Ser438Gly)

Gene: NBN (nibrin; minus strand). Cytogenetic location: 8q21.3.
Variant type: single nucleotide variant.
Coding change: c.1312A>G on transcript NM_002485.5 (MANE Select); coding-DNA position 1312, A replaced by G.
Protein change: p.Ser438Gly; replaces serine 438 with glycine.
Molecular consequence: missense variant.
Genome position (GRCh38, 1-based): chr8:89,955,368, T>C on the plus strand (A>G on the coding strand, the complement: NBN is on the minus strand). VCF-style: chr8-89955368-T-C. GRCh37 (hg19) VCF-style: chr8-90967596-T-C.
Other names: c.1066A>G, p.Ser356Gly (NM_001024688.3); short protein forms S438G, S356G.
Identifiers: ClinVar variation 480043 (VCV000480043.20), dbSNP rs1456827107, ClinGen allele CA371656141.

ClinVar aggregate classification (germline): Conflicting classifications of pathogenicity. Review status: criteria provided, conflicting classifications (1 of 4 stars). 3 submissions from 3 submitters: Uncertain significance (2); Likely benign (1). Last evaluated 2022-07-06.

Conditions:
Hereditary cancer-predisposing syndrome. Also called: Hereditary neoplastic syndrome; Neoplastic Syndromes, Hereditary; Tumor predisposition; Hereditary Cancer Syndrome. Identifiers: Orphanet 140162, MedGen C0027672, MeSH D009386, MONDO:0015356.
Microcephaly, normal intelligence and immunodeficiency (NBS). Also called: IMMUNODEFICIENCY, MICROCEPHALY, AND CHROMOSOMAL INSTABILITY; SEEMANOVA SYNDROME II; Nijmegen breakage syndrome; Microcephaly with normal intelligence immunodeficiency and lymphoreticular malignancies; Nonsyndromal microcephaly autosomal recessive with normal intelligence; Seemanova syndrome 2. Identifiers: Orphanet 647, MedGen C0398791, MONDO:0009623, OMIM 251260.

Allele frequency attached by ClinVar (database versions not stated): gnomAD exomes below 0.00001.
gnomAD v4.1: 2 of 1,613,890 alleles (0.00012%); highest among the groups gnomAD compares: East Asian, 0.0045%; no homozygotes.

Submissions (3):

Labcorp Genetics (formerly Invitae), Labcorp
Classification: Uncertain significance for Microcephaly, normal intelligence and immunodeficiency. Last evaluated: 2022-07-06. Review status: criteria provided, single submitter. Criteria: Invitae Variant Classification Sherloc (09022015). Collection method: clinical testing. Allele origin: germline.
Comment: In summary, the available evidence is currently insufficient to determine the role of this variant in disease. Therefore, it has been classified as a Variant of Uncertain Significance. Algorithms developed to predict the effect of sequence changes on RNA splicing suggest that this variant may create or strengthen a splice site. Algorithms developed to predict the effect of missense changes on protein structure and function output the following: SIFT: "Tolerated"; PolyPhen-2: "Benign"; Align-GVGD: "Class C0". The glycine amino acid residue is found in multiple mammalian species, which suggests that this missense change does not adversely affect protein function. ClinVar contains an entry for this variant (Variation ID: 480043). This variant has not been reported in the literature in individuals affected with NBN-related conditions. This variant is present in population databases (no rsID available, gnomAD 0.006%). This sequence change replaces serine, which is neutral and polar, with glycine, which is neutral and non-polar, at codon 438 of the NBN protein (p.Ser438Gly).

Genome-Nilou Lab
Classification: Uncertain significance for Microcephaly, normal intelligence and immunodeficiency. Last evaluated: 2021-11-07. Review status: criteria provided, single submitter. Criteria: ACMG Guidelines, 2015. Collection method: clinical testing. Allele origin: germline. Affected: no.

Ambry Genetics
Classification: Likely benign for Hereditary cancer-predisposing syndrome. Last evaluated: 2016-07-27. Review status: criteria provided, single submitter. Criteria: Ambry Variant Classification Scheme 2023. Collection method: clinical testing. Allele origin: germline.